The following is an entry in ClinVar:

ClinVar aggregate classification (germline): Uncertain significance. Review status: criteria provided, multiple submitters, no conflicts (2 of 4 stars). 2 submissions from 2 submitters: Uncertain significance (2). Last evaluated 2025-12-15.

Conditions:
Nephronophthisis 15 (NPHP15). Identifiers: Orphanet 3156, MedGen C3541853, MONDO:0013917, OMIM 614845.
Inborn genetic diseases. Identifiers: MedGen C0950123, MeSH D030342.

Submissions (2):

Ambry Genetics
Classification: Uncertain significance for Inborn genetic diseases. Last evaluated: 2025-12-15. Review status: criteria provided, single submitter. Criteria: Ambry Variant Classification Scheme 2023. Collection method: clinical testing. Allele origin: germline.

Labcorp Genetics (formerly Invitae), Labcorp
Classification: Uncertain significance for Nephronophthisis 15. Last evaluated: 2024-09-30. Review status: criteria provided, single submitter. Criteria: Invitae Variant Classification Sherloc (09022015). Collection method: clinical testing. Allele origin: germline.
Comment: This sequence change replaces alanine, which is neutral and non-polar, with glycine, which is neutral and non-polar, at codon 594 of the CEP164 protein (p.Ala594Gly). This variant is not present in population databases (gnomAD no frequency). This variant has not been reported in the literature in individuals affected with CEP164-related conditions. Invitae Evidence Modeling of protein sequence and biophysical properties (such as structural, functional, and spatial information, amino acid conservation, physicochemical variation, residue mobility, and thermodynamic stability) indicates that this missense variant is not expected to disrupt CEP164 protein function with a negative predictive value of 80%. In summary, the available evidence is currently insufficient to determine the role of this variant in disease. Therefore, it has been classified as a Variant of Uncertain Significance.

NM_014956.5(CEP164):c.1781C>G (p.Ala594Gly)

Gene: CEP164 (centrosomal protein 164; plus strand). Cytogenetic location: 11q23.3.
Variant type: single nucleotide variant.
Coding change: c.1781C>G on transcript NM_014956.5 (MANE Select); coding-DNA position 1781, C replaced by G.
Protein change: p.Ala594Gly; replaces alanine 594 with glycine.
Molecular consequence: missense variant.
Genome position (GRCh38, 1-based): chr11:117,387,259, C>G. VCF-style: chr11-117387259-C-G. GRCh37 (hg19) VCF-style: chr11-117257975-C-G.
Other names: c.1790C>G, p.Ala597Gly (NM_001271933.2); c.1781C>G (NM_014956.4); short protein forms A594G, A597G.
Identifiers: ClinVar variation 2986424 (VCV002986424.3), dbSNP rs2541765187, ClinGen allele CA382717265.